The following is an entry in ClinVar:

ClinVar aggregate classification (germline): Benign/Likely benign. Review status: criteria provided, multiple submitters, no conflicts (2 of 4 stars). 4 submissions from 4 submitters: Benign (1); Likely benign (3). Last evaluated 2026-09-29.

Conditions:
Neurofibromatosis, type 1 (NF1). Also called: Neurofibromatosis, type I; Peripheral type neurofibromatosis; VON RECKLINGHAUSEN DISEASE; NEUROFIBROMATOSIS, TYPE I, SOMATIC. Identifiers: Orphanet 636, MedGen C0027831, MONDO:0018975, OMIM 162200. Disease mechanism: loss of function.
Cardiovascular phenotype. Identifiers: MedGen CN230736.
Hereditary cancer-predisposing syndrome. Also called: Hereditary neoplastic syndrome; Neoplastic Syndromes, Hereditary; Tumor predisposition; Hereditary Cancer Syndrome. Identifiers: Orphanet 140162, MedGen C0027672, MeSH D009386, MONDO:0015356.

Allele frequency attached by ClinVar (database versions not stated): TOPMed 0.00001; gnomAD 0.00001.
gnomAD v4.1: 1 of 1,613,434 alleles (0.000062%); highest among the groups gnomAD compares: African/African-American, 0.0013%; no homozygotes.

Submissions (4):

Myriad Genetics, Inc.
Classification: Benign for Neurofibromatosis, type 1. Last evaluated: 2026-09-29. Review status: criteria provided, single submitter. Criteria: Myriad Autosomal Dominant, Autosomal Recessive and X-Linked Classification Criteria (2023). Collection method: clinical testing. Allele origin: unknown.
Comment: This variant is considered benign. This variant is a silent/synonymous amino acid change and it is not expected to impact splicing.

Labcorp Genetics (formerly Invitae), Labcorp
Classification: Likely benign for Neurofibromatosis, type 1. Last evaluated: 2025-11-25. Review status: criteria provided, single submitter. Criteria: Invitae Variant Classification Sherloc (09022015). Collection method: clinical testing. Allele origin: germline.

Genome-Nilou Lab
Classification: Likely benign for Neurofibromatosis, type 1. Last evaluated: 2022-03-15. Review status: criteria provided, single submitter. Criteria: ACMG Guidelines, 2015. Collection method: clinical testing. Allele origin: germline. Affected: no.

Ambry Genetics
Classification: Likely benign for Cardiovascular phenotype; Hereditary cancer-predisposing syndrome. Last evaluated: 2018-02-14. Review status: criteria provided, single submitter. Criteria: Ambry Variant Classification Scheme 2023. Collection method: clinical testing. Allele origin: germline.

NM_001042492.3(NF1):c.1995C>T (p.Ser665=)

Gene: NF1 (neurofibromin 1; plus strand). Cytogenetic location: 17q11.2.
Variant type: single nucleotide variant.
Coding change: c.1995C>T on transcript NM_001042492.3 (MANE Select); coding-DNA position 1995, C replaced by T.
Protein change: p.Ser665=; no amino-acid change (serine 665 retained).
Molecular consequence: synonymous variant.
Genome position (GRCh38, 1-based): chr17:31,225,244, C>T. VCF-style: chr17-31225244-C-T. GRCh37 (hg19) VCF-style: chr17-29552262-C-T.
Other names: c.1995C>T, p.Ser665= (NM_000267.4).
Identifiers: ClinVar variation 820495 (VCV000820495.12), dbSNP rs1352726800, ClinGen allele CA499231959.